The following is an entry in ClinVar:

ClinVar aggregate classification (germline): Uncertain significance (1 of 4 stars; one submission).

Conditions:
Fanconi anemia (FA). Also called: Fanconi's anemia. Identifiers: Orphanet 84, MedGen C0015625, MeSH D005199, MONDO:0019391.

Submission:

Labcorp Genetics (formerly Invitae), Labcorp
Classification: Uncertain significance for Fanconi anemia. Last evaluated: 2021-06-09. Review status: criteria provided, single submitter. Criteria: Invitae Variant Classification Sherloc (09022015). Collection method: clinical testing. Allele origin: germline.
Comment: This variant is not present in population databases (ExAC no frequency). This variant has not been reported in the literature in individuals with FANCI-related conditions. Algorithms developed to predict the effect of missense changes on protein structure and function (SIFT, PolyPhen-2, Align-GVGD) all suggest that this variant is likely to be tolerated, but these predictions have not been confirmed by published functional studies and their clinical significance is uncertain. In summary, the available evidence is currently insufficient to determine the role of this variant in disease. Therefore, it has been classified as a Variant of Uncertain Significance. This sequence change replaces lysine with glutamine at codon 280 of the FANCI protein (p.Lys280Gln). The lysine residue is moderately conserved and there is a small physicochemical difference between lysine and glutamine.

NM_001113378.2(FANCI):c.838A>C (p.Lys280Gln)

Gene: FANCI (FA complementation group I; plus strand). Cytogenetic location: 15q26.1.
Variant type: single nucleotide variant.
Coding change: c.838A>C on transcript NM_001113378.2 (MANE Select); coding-DNA position 838, A replaced by C.
Protein change: p.Lys280Gln; replaces lysine 280 with glutamine.
Molecular consequence: missense variant.
Genome position (GRCh38, 1-based): chr15:89,268,481, A>C. VCF-style: chr15-89268481-A-C. GRCh37 (hg19) VCF-style: chr15-89811712-A-C.
Other names: c.559A>C, p.Lys187Gln (NM_001376910.1); c.838A>C, p.Lys280Gln (NM_001376911.1, NM_018193.3); short protein forms K280Q, K187Q.
Identifiers: ClinVar variation 1504943 (VCV001504943.8), dbSNP rs2053065030, ClinGen allele CA393740204.
Genomic context (GRCh38, chr15:89,268,481, plus strand): 5'-CCATCAGGTGAACTTCGTCATGTGGAAGGCACCATTATTCTACACATTGTGTTTGCCATC[A>C]AATTGGACTATGAACTAGGCAGAGAACTCGTGAAACACTTAAAGGTAGCATCAAACTTGT-3'
Protein context (NP_001106849.1, residues 270-290): TIILHIVFAI[Lys280Gln]LDYELGRELV